The following is an entry in ClinVar:

ClinVar aggregate classification (germline): Uncertain significance (1 of 4 stars; one submission).

Conditions:
Autosomal recessive hypophosphatemic bone disease (HHRH). Also called: Hypophosphatemic rickets with hypercalciuria; HYPERCALCIURIC RICKETS. Identifiers: Orphanet 157215, MedGen C1853271, MONDO:0009431, OMIM 241530.

Allele frequency attached by ClinVar (database versions not stated): gnomAD exomes below 0.00001.
gnomAD v4.1: 1 of 1,602,922 alleles (0.000062%); highest among the groups gnomAD compares: Non-Finnish European, 0.000085%; no homozygotes.

Submission:

Centre for Mendelian Genomics, University Medical Centre Ljubljana
Classification: Uncertain significance for Autosomal recessive hypophosphatemic bone disease. Last evaluated: 2020-03-29. Review status: criteria provided, single submitter. Criteria: ACMG Guidelines, 2015. Collection method: clinical testing. Allele origin: unknown. Affected: yes.
Comment: This variant was classified as: Uncertain significance. The available evidence favors the pathogenic nature of this variant, however the currently available data is insufficient to conclusively support its pathogenic nature. Thus this variant is classified as Uncertain significance - favor pathogenic. The following ACMG criteria were applied in classifying this variant: PM2. This variant was detected in homozygous state.

NM_001177316.2(SLC34A3):c.980T>C (p.Leu327Pro)

Gene: SLC34A3 (solute carrier family 34 member 3; plus strand). Cytogenetic location: 9q34.3.
Variant type: single nucleotide variant.
Coding change: c.980T>C on transcript NM_001177316.2 (MANE Select); coding-DNA position 980, T replaced by C.
Protein change: p.Leu327Pro; replaces leucine 327 with proline.
Molecular consequence: missense variant.
Genome position (GRCh38, 1-based): chr9:137,234,163, T>C. VCF-style: chr9-137234163-T-C. GRCh37 (hg19) VCF-style: chr9-140128615-T-C.
Other names: c.980T>C, p.Leu327Pro (NM_001177317.2, NM_080877.3); short protein forms L327P.
Identifiers: ClinVar variation 930232 (VCV000930232.4), dbSNP rs1836433909, ClinGen allele CA375735897.
Genomic context (GRCh38, chr9:137,234,163, plus strand): 5'-CCCCAGGCCGCCACCTGTTTGCGGGCACGGAGCTCACGGACCTGGCCGTGGGCTGCATCC[T>C]GCTGGCCGGCTCCCTGCTGGTGCTCTGCGGCTGCCTGGTCCTCATAGTCAAGCTGCTCAA-3'
Protein context (NP_001170787.2, residues 317-337): ELTDLAVGCI[Leu327Pro]LAGSLLVLCG